The following is an entry in ClinVar:

NM_005989.4(AKR1D1):c.*1085C>T

Gene: AKR1D1 (aldo-keto reductase family 1 member D1; plus strand). Cytogenetic location: 7q33.
Variant type: single nucleotide variant.
Coding change: c.*1085C>T on transcript NM_005989.4 (MANE Select); 1085 bases downstream of the stop codon, C replaced by T.
Molecular consequence: 3 prime UTR variant.
Genome position (GRCh38, 1-based): chr7:138,117,747, C>T. VCF-style: chr7-138117747-C-T. GRCh37 (hg19) VCF-style: chr7-137802493-C-T.
Other names: c.*1085C>T (NM_001190906.2); c.*1110C>T (NM_001190907.2).
Identifiers: ClinVar variation 358972 (VCV000358972.5), dbSNP rs12540339, ClinGen allele CA10628315.

ClinVar aggregate classification (germline): Benign (1 of 4 stars; one submission).

Conditions:
Congenital bile acid synthesis defect 2 (CBAS2). Also called: CHOLESTASIS WITH DELTA(4)-3-OXOSTEROID 5-BETA-REDUCTASE DEFICIENCY. Identifiers: Orphanet 79303, MedGen C1856127, MONDO:0009339, OMIM 235555.

Allele frequency attached by ClinVar (database versions not stated): 1000 Genomes Project 0.00759; 1000 Genomes Project 30x 0.00765; gnomAD 0.00863; TOPMed 0.00921.

Submission:

Illumina Laboratory Services, Illumina
Classification: Benign for Congenital bile acid synthesis defect 2. Last evaluated: 2018-01-12. Review status: criteria provided, single submitter. Criteria: ICSL Variant Classification Criteria 13 December 2019. Collection method: clinical testing. Allele origin: germline.
Comment: This variant was observed in the ICSL laboratory as part of a predisposition screen in an ostensibly healthy population. It had not been previously curated by ICSL or reported in the Human Gene Mutation Database (HGMD: prior to June 1st, 2018), and was therefore a candidate for classification through an automated scoring system. Utilizing variant allele frequency, disease prevalence and penetrance estimates, and inheritance mode, an automated score was calculated to assess if this variant is too frequent to cause the disease. Based on the score and internal cut-off values, a variant classified as benign is not then subjected to further curation. The score for this variant resulted in a classification of benign for this disease.